The following is an entry in ClinVar:

NM_005559.4(LAMA1):c.2402+5G>A

Gene: LAMA1 (laminin subunit alpha 1; minus strand). Cytogenetic location: 18p11.31.
Variant type: single nucleotide variant.
Coding change: c.2402+5G>A on transcript NM_005559.4 (MANE Select); 5 bases into the intron after coding-DNA position 2402, G replaced by A.
Molecular consequence: intron variant.
Genome position (GRCh38, 1-based): chr18:7,025,974, C>T on the plus strand (G>A on the coding strand, the complement: LAMA1 is on the minus strand). VCF-style: chr18-7025974-C-T. GRCh37 (hg19) VCF-style: chr18-7025973-C-T.
Identifiers: ClinVar variation 430140 (VCV000430140.2), dbSNP rs898673491, ClinGen allele CA295787756.

ClinVar aggregate classification (germline): Likely pathogenic (1 of 4 stars; one submission).

Allele frequency attached by ClinVar (database versions not stated): TOPMed below 0.00001; gnomAD exomes below 0.00001.
gnomAD v4.1: 6 of 1,605,672 alleles (0.00037%); highest among the groups gnomAD compares: Non-Finnish European, 0.00051%; no homozygotes.

Submission:

GeneDx
Classification: Likely pathogenic. Last evaluated: 2017-05-18. Review status: criteria provided, single submitter. Criteria: GeneDx Variant Classification (06012015). Collection method: clinical testing. Allele origin: germline. Affected: yes.
Comment: The c.2402+5G>A variant in the LAMA1 gene has not been reported previously as a pathogenic variant nor as a benign variant, to our knowledge. This variant is predicted to destroy the natural splice donor site in intron 17. It is predicted to cause abnormal gene splicing, either leading to an abnormal message that is subject to nonsense-mediated mRNA decay, or to an abnormal protein product if the message is used for protein translation. The c.2402+5G>A variant is not observed in large population cohorts (Lek et al., 2016; 1000 Genomes Consortium et al., 2015; Exome Variant Server). We interpret c.2402+5G>A as a likely pathogenic variant.